The following is an entry in ClinVar:

NM_001034853.2(RPGR):c.335G>A (p.Gly112Asp)

Gene: RPGR (retinitis pigmentosa GTPase regulator; minus strand). Cytogenetic location: Xp11.4.
Variant type: single nucleotide variant.
Coding change: c.335G>A on transcript NM_001034853.2 (MANE Select); coding-DNA position 335, G replaced by A.
Protein change: p.Gly112Asp; replaces glycine 112 with aspartic acid.
Molecular consequence: missense variant. On other transcripts: non-coding transcript variant (6).
Genome position (GRCh38, 1-based): chrX:38,318,963, C>T on the plus strand (G>A on the coding strand, the complement: RPGR is on the minus strand). VCF-style: chrX-38318963-C-T. GRCh37 (hg19) VCF-style: chrX-38178216-C-T.
Other names: c.335G>A, p.Gly112Asp (NM_000328.3, NM_001367245.1, NM_001367246.1 and 3 more transcripts); c.365G>A, p.Gly122Asp (NM_001367248.1); c.332G>A, p.Gly111Asp (NM_001367249.1); short protein forms G112D, G111D, G122D.
Identifiers: ClinVar variation 865959 (VCV000865959.18), dbSNP rs2067878321, ClinGen allele CA412745285.

ClinVar aggregate classification (germline): Pathogenic. Review status: criteria provided, multiple submitters, no conflicts (2 of 4 stars). 2 submissions from 2 submitters: Pathogenic (2). Last evaluated 2022-10-17.

Conditions:
Primary ciliary dyskinesia. Also called: Ciliary dyskinesia. Identifiers: Orphanet 244, MedGen C0008780, MONDO:0016575, HP:0012265.
RPGR-related disorder. Also called: RPGR-related condition.

Submissions (2):

Labcorp Genetics (formerly Invitae), Labcorp
Classification: Pathogenic for Primary ciliary dyskinesia. Last evaluated: 2022-10-17. Review status: criteria provided, single submitter. Criteria: Invitae Variant Classification Sherloc (09022015). Collection method: clinical testing. Allele origin: germline.
Comment: Advanced modeling of protein sequence and biophysical properties (such as structural, functional, and spatial information, amino acid conservation, physicochemical variation, residue mobility, and thermodynamic stability) performed at Invitae indicates that this missense variant is expected to disrupt RPGR protein function. For these reasons, this variant has been classified as Pathogenic. This variant disrupts the p.Gly112 amino acid residue in RPGR. Other variant(s) that disrupt this residue have been observed in individuals with RPGR-related conditions (PMID: 31087526; Invitae), which suggests that this may be a clinically significant amino acid residue. ClinVar contains an entry for this variant (Variation ID: 865959). This missense change has been observed in individuals with clinical features of RPGR-related conditions (PMID: 33090715; Invitae). This variant is not present in population databases (gnomAD no frequency). This sequence change replaces glycine, which is neutral and non-polar, with aspartic acid, which is acidic and polar, at codon 112 of the RPGR protein (p.Gly112Asp).

Blueprint Genetics
Classification: Pathogenic for RPGR-related disorders. Last evaluated: 2022-03-07. Review status: criteria provided, single submitter. Criteria: ACMG Guidelines, 2015. Collection method: clinical testing. Allele origin: germline. Affected: yes. Observed: 3 variant alleles.

Literature cited by the submitters: PubMed 31087526 (cited by Labcorp Genetics (formerly Invitae), Labcorp); PubMed 33090715 (cited by Labcorp Genetics (formerly Invitae), Labcorp).